The following is an entry in ClinVar:

NM_001364905.1(LRBA):c.6310T>C (p.Phe2104Leu)

Gene: LRBA (LPS responsive beige-like anchor protein; minus strand). Cytogenetic location: 4q31.3.
Variant type: single nucleotide variant.
Coding change: c.6310T>C on transcript NM_001364905.1 (MANE Select); coding-DNA position 6310, T replaced by C.
Protein change: p.Phe2104Leu; replaces phenylalanine 2104 with leucine.
Molecular consequence: missense variant.
Genome position (GRCh38, 1-based): chr4:150,588,068, A>G on the plus strand (T>C on the coding strand, the complement: LRBA is on the minus strand). VCF-style: chr4-150588068-A-G. GRCh37 (hg19) VCF-style: chr4-151509220-A-G.
Other names: c.6310T>C, p.Phe2104Leu (NM_001199282.3, NM_001367550.1); c.6343T>C, p.Phe2115Leu (NM_006726.5); short protein forms F2104L, F2115L.
Identifiers: ClinVar variation 1376187 (VCV001376187.6), dbSNP rs1772340710, ClinGen allele CA358604873.
Genomic context (GRCh38, chr4:150,588,068, plus strand): 5'-TCCCATCATAAGAAAAAATGAAACCCCTTCATCTTCTCACCTTGGGGTCGATTTTTTTGA[A>G]GTTAGGATCCTCTTCATCCACCTCAAAATAGAGTTCGGAGGAGGTGACAGAAAGAGTGCC-3'
Protein context (NP_001351834.1, residues 2094-2114): YFEVDEEDPN[Phe2104Leu]KKIDPKILAY

ClinVar aggregate classification (germline): Uncertain significance (1 of 4 stars; one submission).

Conditions:
Combined immunodeficiency due to LRBA deficiency. Also called: Common variable immunodeficiency 8, with autoimmunity. Identifiers: Orphanet 445018, MedGen C3553512, MONDO:0013863, OMIM 614700.

Allele frequency attached by ClinVar (database versions not stated): TOPMed below 0.00001.

Submission:

Labcorp Genetics (formerly Invitae), Labcorp
Classification: Uncertain significance for Combined immunodeficiency due to LRBA deficiency. Last evaluated: 2022-06-13. Review status: criteria provided, single submitter. Criteria: Invitae Variant Classification Sherloc (09022015). Collection method: clinical testing. Allele origin: germline.
Comment: In summary, the available evidence is currently insufficient to determine the role of this variant in disease. Therefore, it has been classified as a Variant of Uncertain Significance. Algorithms developed to predict the effect of missense changes on protein structure and function are either unavailable or do not agree on the potential impact of this missense change (SIFT: "Deleterious"; PolyPhen-2: "Probably Damaging"; Align-GVGD: "Class C0"). This variant has not been reported in the literature in individuals affected with LRBA-related conditions. This variant is not present in population databases (gnomAD no frequency). This sequence change replaces phenylalanine, which is neutral and non-polar, with leucine, which is neutral and non-polar, at codon 2115 of the LRBA protein (p.Phe2115Leu).